The following is an entry in ClinVar:

NM_000051.4(ATM):c.*29C>G

Genes: ATM (ATM serine/threonine kinase; plus strand), C11orf65 (chromosome 11 open reading frame 65; minus strand). Cytogenetic location: 11q22.3.
Variant type: single nucleotide variant.
Coding change: c.*29C>G on transcript NM_000051.4 (MANE Select); 29 bases downstream of the stop codon, C replaced by G.
Molecular consequence: 3 prime UTR variant. On other transcripts: intron variant (2).
Genome position (GRCh38, 1-based): chr11:108,365,537, C>G. VCF-style: chr11-108365537-C-G. GRCh37 (hg19) VCF-style: chr11-108236264-C-G.
Other names: c.*29C>G (NM_001351834.2); c.640+20383G>C (NM_001330368.2); c.694+20383G>C (NM_001351110.2).
Identifiers: ClinVar variation 302255 (VCV000302255.26), dbSNP rs3218711, ClinGen allele CA6266528.
Genomic context (GRCh38, chr11:108,365,537, plus strand): 5'-GACTTTTCCCAGGATGGAAAGCTTGGGTGTGATCTTCAGTATATGAATTACCCTTTCATT[C>G]AGCCTTTAGAAATTATATTTTAGCCTTTATTTTTAACCTGCCAACATACTTTAAGTAGGG-3'

ClinVar aggregate classification (germline): Benign/Likely benign. Review status: criteria provided, multiple submitters, no conflicts (2 of 4 stars). 7 submissions from 7 submitters: Benign (2); Likely benign (3). 2 of the submissions do not count toward it. Last evaluated 2026-09-01.

Conditions:
Ataxia-telangiectasia syndrome (AT). Also called: Ataxia telangiectasia (A-T); Cerebello-oculocutaneous telangiectasia; Immunodeficiency with ataxia telangiectasia; LOUIS-BAR SYNDROME; AT, COMPLEMENTATION GROUP C; ATAXIA-TELANGIECTASIA, FRESNO VARIANT. Identifiers: Orphanet 100, MedGen C0004135, MONDO:0008840, OMIM 208900.
Hereditary breast ovarian cancer syndrome. Also called: BRCA1- and BRCA2-Associated Hereditary Breast and Ovarian Cancer; Hereditary breast and/or ovarian cancer syndrome; Hereditary breast and ovarian cancer syndrome (HBOC); Hereditary breast and ovarian cancer syndrome; Hereditary breast and ovarian cancer; Breast and ovarian cancer. Identifiers: Orphanet 145, MedGen C0677776, MeSH D061325, MONDO:0003582. Disease mechanism: loss of function.

Allele frequency attached by ClinVar (database versions not stated): gnomAD exomes 0.00511 and 0.00678; gnomAD 0.00606 and 0.00603; 1000 Genomes Project 0.00619; TOPMed 0.00632; ExAC 0.00601; 1000 Genomes Project 30x 0.00640; ESP Exome Variant Server 0.00746.
gnomAD v4.1: 10,912 of 1,607,046 alleles (0.68%); highest among the groups gnomAD compares: African/African-American, 0.78%; 41 homozygotes.

Submissions (7):

CeGaT Center for Human Genetics Tuebingen
Classification: Likely benign. Last evaluated: 2026-09-01. Review status: criteria provided, single submitter. Criteria: CeGaT Center For Human Genetics Tuebingen Variant Classification Criteria Version 2. Collection method: clinical testing. Allele origin: germline. Affected: yes. Observed: 19 variant alleles.
Comment: ATM: BS2

Center for Genomic Medicine, Rigshospitalet, Copenhagen University Hospital
Classification: Benign. Last evaluated: 2025-03-04. Review status: criteria provided, single submitter. Criteria: ACMG Guidelines, 2015. Collection method: clinical testing. Allele origin: germline.

National Health Laboratory Service, Universitas Academic Hospital and University of the Free State
Classification: Benign for Hereditary breast ovarian cancer syndrome. Last evaluated: 2022-04-19. Review status: criteria provided, single submitter. Criteria: ACMG Guidelines, 2015. Collection method: clinical testing. Allele origin: germline. Affected: yes. Observed: 4 variant alleles.

Genome-Nilou Lab
Classification: Likely benign for Ataxia-telangiectasia syndrome. Last evaluated: 2021-07-14. Review status: criteria provided, single submitter. Criteria: ACMG Guidelines, 2015. Collection method: clinical testing. Allele origin: germline. Affected: no.

Illumina Laboratory Services, Illumina
Classification: Likely benign for Ataxia-telangiectasia syndrome. Last evaluated: 2018-01-12. Review status: criteria provided, single submitter. Criteria: ICSL Variant Classification Criteria 13 December 2019. Collection method: clinical testing. Allele origin: germline.
Comment: This variant was observed in the ICSL laboratory as part of a predisposition screen in an ostensibly healthy population. It had not been previously curated by ICSL or reported in the Human Gene Mutation Database (HGMD: prior to June 1st, 2018), and was therefore a candidate for classification through an automated scoring system. Utilizing variant allele frequency, disease prevalence and penetrance estimates, and inheritance mode, an automated score was calculated to assess if this variant is too frequent to cause the disease. Based on the score and internal cut-off values, a variant classified as likely benign is not then subjected to further curation. The score for this variant resulted in a classification of likely benign for this disease.

Clinical Genetics Laboratory, Department of Pathology, Netherlands Cancer Institute
Classification: Likely benign. Review status: no assertion criteria provided. Collection method: clinical testing. Allele origin: germline. Affected: yes. Study: VKGL Data-share Consensus. Not counted in ClinVar's aggregate classification.

Joint Genome Diagnostic Labs from Nijmegen and Maastricht, Radboudumc and MUMC+
Classification: Likely benign. Review status: no assertion criteria provided. Collection method: clinical testing. Allele origin: germline. Affected: yes. Study: VKGL Data-share Consensus. Not counted in ClinVar's aggregate classification.